The following is an entry in ClinVar:

NM_201384.3(PLEC):c.8771T>C (p.Ile2924Thr)

Gene: PLEC (plectin; minus strand). Cytogenetic location: 8q24.3.
Variant type: single nucleotide variant.
Coding change: c.8771T>C on transcript NM_201384.3 (MANE Select); coding-DNA position 8771, T replaced by C.
Protein change: p.Ile2924Thr; replaces isoleucine 2924 with threonine.
Molecular consequence: missense variant.
Genome position (GRCh38, 1-based): chr8:143,921,050, A>G on the plus strand (T>C on the coding strand, the complement: PLEC is on the minus strand). VCF-style: chr8-143921050-A-G. GRCh37 (hg19) VCF-style: chr8-144995218-A-G.
Other names: c.8852T>C, p.Ile2951Thr (NM_000445.5); c.8729T>C, p.Ile2910Thr (NM_201378.4); c.8705T>C, p.Ile2902Thr (NM_201379.3); c.9182T>C, p.Ile3061Thr (NM_201380.4); c.8675T>C, p.Ile2892Thr (NM_201381.3); c.8771T>C, p.Ile2924Thr (NM_201382.4); c.8783T>C, p.Ile2928Thr (NM_201383.3); short protein forms I2892T, I2902T, I2910T, I2924T, I2928T, I2951T, I3061T.
Identifiers: ClinVar variation 944654 (VCV000944654.7), dbSNP rs782072514, ClinGen allele CA4925190.

ClinVar aggregate classification (germline): Uncertain significance (1 of 4 stars; one submission).

Conditions:
Epidermolysis bullosa simplex 5B, with muscular dystrophy (EBS5B). Also called: EPIDERMOLYSIS BULLOSA SIMPLEX AND LIMB-GIRDLE MUSCULAR DYSTROPHY; Epidermolysis bullosa simplex with muscular dystrophy. Identifiers: Orphanet 257, MedGen C2931072, MONDO:0009181, OMIM 226670.
Epidermolysis bullosa simplex with nail dystrophy (EBS5D). Identifiers: MedGen C4225309, MONDO:0014661, OMIM 616487.
Epidermolysis bullosa simplex, Ogna type (EBS5A). Also called: EPIDERMOLYSIS BULLOSA SIMPLEX 5A, OGNA TYPE; Pidermolysis bullosa simplex 5A, Ogna type. Identifiers: Orphanet 79401, MedGen C0432317, MONDO:0007555, OMIM 131950.
Autosomal recessive limb-girdle muscular dystrophy type 2Q (LGMDR17). Also called: MUSCULAR DYSTROPHY, LIMB-GIRDLE, AUTOSOMAL RECESSIVE 17. Identifiers: Orphanet 254361, MedGen C3150989, MONDO:0013390, OMIM 613723.
Epidermolysis bullosa simplex 5C, with pyloric atresia (EBS5C). Also called: Epidermolysis bullosa simplex with pyloric atresia; PLEC-Related Epidermolysis Bullosa with Pyloric Atresia; PLEC1-Related Epidermolysis Bullosa with Pyloric Atresia. Identifiers: Orphanet 158684, MedGen C2677349, MONDO:0012807, OMIM 612138.

Allele frequency attached by ClinVar (database versions not stated): gnomAD exomes 0.00001 and 0.00002; ExAC 0.00002; gnomAD 0.00004.
gnomAD v4.1: 23 of 1,612,260 alleles (0.0014%); highest among the groups gnomAD compares: Non-Finnish European, 0.0011%; no homozygotes.

Submission:

Labcorp Genetics (formerly Invitae), Labcorp
Classification: Uncertain significance for Autosomal recessive limb-girdle muscular dystrophy type 2Q; Epidermolysis bullosa simplex, Ogna type; Epidermolysis bullosa simplex with nail dystrophy; Epidermolysis bullosa simplex 5C, with pyloric atresia; Epidermolysis bullosa simplex 5B, with muscular dystrophy. Last evaluated: 2019-07-03. Review status: criteria provided, single submitter. Criteria: Invitae Variant Classification Sherloc (09022015). Collection method: clinical testing. Allele origin: germline.
Comment: Algorithms developed to predict the effect of missense changes on protein structure and function (SIFT, PolyPhen-2, Align-GVGD) all suggest that this variant is likely to be disruptive, but these predictions have not been confirmed by published functional studies and their clinical significance is uncertain. In summary, the available evidence is currently insufficient to determine the role of this variant in disease. Therefore, it has been classified as a Variant of Uncertain Significance. This variant has not been reported in the literature in individuals with PLEC-related conditions. This variant is present in population databases (rs782072514, ExAC 0.003%). This sequence change replaces isoleucine with threonine at codon 2951 of the PLEC protein (p.Ile2951Thr). The isoleucine residue is highly conserved and there is a moderate physicochemical difference between isoleucine and threonine.